The following is an entry in ClinVar:

NM_000264.5(PTCH1):c.1715C>T (p.Ala572Val)

Gene: PTCH1 (patched 1; minus strand). Cytogenetic location: 9q22.32.
Variant type: single nucleotide variant.
Coding change: c.1715C>T on transcript NM_000264.5 (MANE Select); coding-DNA position 1715, C replaced by T.
Protein change: p.Ala572Val; replaces alanine 572 with valine.
Molecular consequence: missense variant. On other transcripts: non-coding transcript variant (1).
Genome position (GRCh38, 1-based): chr9:95,476,047, G>A on the plus strand (C>T on the coding strand, the complement: PTCH1 is on the minus strand). VCF-style: chr9-95476047-G-A. GRCh37 (hg19) VCF-style: chr9-98238329-G-A.
Other names: c.1517C>T, p.Ala506Val (NM_001083602.3); c.1712C>T, p.Ala571Val (NM_001083603.3); c.1262C>T, p.Ala421Val (NM_001083604.3, NM_001083605.3, NM_001083606.3 and 1 more transcripts); c.1559C>T, p.Ala520Val (NM_001354918.2); short protein forms A506V, A421V, A520V, A572V, A571V.
Identifiers: ClinVar variation 1449110 (VCV001449110.8), dbSNP rs1485556285, ClinGen allele CA374117899.
Genomic context (GRCh38, chr9:95,476,047, plus strand): 5'-CAGTGCCCCGTTCAGGATCACCACAGCCTTCATCACCAGAAGCTCACCTGGAGGGAGAAC[G>A]CCCGCAGAGCGGGAATTGGGATTAACGCGGCCATGAAGAAGGCTGTGACATTGCTGATGG-3'
Protein context (NP_000255.2, residues 562-582): AALIPIPALR[Ala572Val]FSLQAAVVVV

ClinVar aggregate classification (germline): Uncertain significance. Review status: criteria provided, multiple submitters, no conflicts (2 of 4 stars). 2 submissions from 2 submitters: Uncertain significance (2). Last evaluated 2024-02-06.

Conditions:
Gorlin syndrome. Also called: Basal cell nevus syndrome; Nevoid Basal Cell Carcinoma Syndrome. Identifiers: Orphanet 377, MedGen C0004779, MONDO:0007187.
Hereditary cancer-predisposing syndrome. Also called: Tumor predisposition; Hereditary neoplastic syndrome; Hereditary Cancer Syndrome; Neoplastic Syndromes, Hereditary. Identifiers: Orphanet 140162, MedGen C0027672, MeSH D009386, MONDO:0015356.

Allele frequency attached by ClinVar (database versions not stated): gnomAD exomes below 0.00001.
gnomAD v4.1: 5 of 1,613,814 alleles (0.00031%); highest among the groups gnomAD compares: Non-Finnish European, 0.00042%; no homozygotes.

Submissions (2):

Labcorp Genetics (formerly Invitae), Labcorp
Classification: Uncertain significance for Gorlin syndrome. Last evaluated: 2024-02-06. Review status: criteria provided, single submitter. Criteria: Invitae Variant Classification Sherloc (09022015). Collection method: clinical testing. Allele origin: germline.
Comment: This sequence change replaces alanine, which is neutral and non-polar, with valine, which is neutral and non-polar, at codon 572 of the PTCH1 protein (p.Ala572Val). This variant is not present in population databases (gnomAD no frequency). This variant has not been reported in the literature in individuals affected with PTCH1-related conditions. ClinVar contains an entry for this variant (Variation ID: 1449110). Advanced modeling of protein sequence and biophysical properties (such as structural, functional, and spatial information, amino acid conservation, physicochemical variation, residue mobility, and thermodynamic stability) performed at Invitae indicates that this missense variant is not expected to disrupt PTCH1 protein function with a negative predictive value of 95%. In summary, the available evidence is currently insufficient to determine the role of this variant in disease. Therefore, it has been classified as a Variant of Uncertain Significance.

Ambry Genetics
Classification: Uncertain significance for Hereditary cancer-predisposing syndrome. Last evaluated: 2022-02-07. Review status: criteria provided, single submitter. Criteria: Ambry Variant Classification Scheme 2023. Collection method: clinical testing. Allele origin: germline.
Comment: The p.A572V variant (also known as c.1715C>T), located in coding exon 12 of the PTCH1 gene, results from a C to T substitution at nucleotide position 1715. The alanine at codon 572 is replaced by valine, an amino acid with similar properties. This amino acid position is conserved. In addition, the in silico prediction for this alteration is inconclusive. Since supporting evidence is limited at this time, the clinical significance of this alteration remains unclear.